The following is an entry in ClinVar:

NM_001080414.4(CCDC88C):c.1700A>G (p.Asn567Ser)

Gene: CCDC88C (coiled-coil domain containing 88C; minus strand). Cytogenetic location: 14q32.11.
Variant type: single nucleotide variant.
Coding change: c.1700A>G on transcript NM_001080414.4 (MANE Select); coding-DNA position 1700, A replaced by G.
Protein change: p.Asn567Ser; replaces asparagine 567 with serine.
Molecular consequence: missense variant.
Genome position (GRCh38, 1-based): chr14:91,314,116, T>C on the plus strand (A>G on the coding strand, the complement: CCDC88C is on the minus strand). VCF-style: chr14-91314116-T-C. GRCh37 (hg19) VCF-style: chr14-91780460-T-C.
Other names: short protein forms N567S.
Identifiers: ClinVar variation 2896851 (VCV002896851.2), dbSNP rs751043962, ClinGen allele CA7309837.

ClinVar aggregate classification (germline): Uncertain significance (1 of 4 stars; one submission).

Allele frequency attached by ClinVar (database versions not stated): ExAC 0.00001; gnomAD exomes 0.00001; TOPMed 0.00001; gnomAD 0.00002.
gnomAD v4.1: 13 of 1,612,908 alleles (0.00081%); highest among the groups gnomAD compares: South Asian, 0.0033%; no homozygotes.

Submission:

Labcorp Genetics (formerly Invitae), Labcorp
Classification: Uncertain significance. Last evaluated: 2023-04-11. Review status: criteria provided, single submitter. Criteria: Invitae Variant Classification Sherloc (09022015). Collection method: clinical testing. Allele origin: germline.
Comment: This sequence change replaces asparagine, which is neutral and polar, with serine, which is neutral and polar, at codon 567 of the CCDC88C protein (p.Asn567Ser). This variant is present in population databases (rs751043962, gnomAD 0.003%). This variant has not been reported in the literature in individuals affected with CCDC88C-related conditions. Algorithms developed to predict the effect of missense changes on protein structure and function output the following: SIFT: "Not Available"; PolyPhen-2: "Benign"; Align-GVGD: "Not Available". The serine amino acid residue is found in multiple mammalian species, which suggests that this missense change does not adversely affect protein function. In summary, the available evidence is currently insufficient to determine the role of this variant in disease. Therefore, it has been classified as a Variant of Uncertain Significance.